The following is an entry in ClinVar:

ClinVar aggregate classification (germline): Uncertain significance. Review status: criteria provided, multiple submitters, no conflicts (2 of 4 stars). 2 submissions from 2 submitters: Uncertain significance (2). Last evaluated 2025-08-04.

Conditions:
Inborn genetic diseases. Identifiers: MedGen C0950123, MeSH D030342.

Allele frequency attached by ClinVar (database versions not stated): gnomAD 0.00004 and 0.00005; ExAC 0.00005; gnomAD exomes 0.00005 and 0.00008; TOPMed 0.00010.
gnomAD v4.1: 89 of 1,608,940 alleles (0.0055%); highest among the groups gnomAD compares: Admixed American, 0.02%; no homozygotes.

Submissions (2):

Ambry Genetics
Classification: Uncertain significance for Inborn genetic diseases. Last evaluated: 2025-08-04. Review status: criteria provided, single submitter. Criteria: Ambry Variant Classification Scheme 2023. Collection method: clinical testing. Allele origin: germline.

Labcorp Genetics (formerly Invitae), Labcorp
Classification: Uncertain significance. Last evaluated: 2022-09-27. Review status: criteria provided, single submitter. Criteria: Invitae Variant Classification Sherloc (09022015). Collection method: clinical testing. Allele origin: germline.
Comment: This sequence change replaces threonine, which is neutral and polar, with isoleucine, which is neutral and non-polar, at codon 733 of the ADAMTSL4 protein (p.Thr733Ile). This variant is present in population databases (rs775068866, gnomAD 0.02%). This variant has not been reported in the literature in individuals affected with ADAMTSL4-related conditions. ClinVar contains an entry for this variant (Variation ID: 1422986). Advanced modeling of protein sequence and biophysical properties (such as structural, functional, and spatial information, amino acid conservation, physicochemical variation, residue mobility, and thermodynamic stability) performed at Invitae indicates that this missense variant is not expected to disrupt ADAMTSL4 protein function. In summary, the available evidence is currently insufficient to determine the role of this variant in disease. Therefore, it has been classified as a Variant of Uncertain Significance.

NM_019032.6(ADAMTSL4):c.2198C>T (p.Thr733Ile)

Gene: ADAMTSL4 (ADAMTS like 4; plus strand). Cytogenetic location: 1q21.2.
Variant type: single nucleotide variant.
Coding change: c.2198C>T on transcript NM_019032.6 (MANE Select); coding-DNA position 2198, C replaced by T.
Protein change: p.Thr733Ile; replaces threonine 733 with isoleucine.
Molecular consequence: missense variant.
Genome position (GRCh38, 1-based): chr1:150,557,965, C>T. VCF-style: chr1-150557965-C-T. GRCh37 (hg19) VCF-style: chr1-150530441-C-T.
Other names: c.2081C>T, p.Thr694Ile (NM_001288607.2); c.2267C>T, p.Thr756Ile (NM_001288608.2); c.2198C>T, p.Thr733Ile (NM_001378596.1, NM_025008.5); c.2198C>T (NM_019032.4); short protein forms T733I, T694I, T756I.
Identifiers: ClinVar variation 1422986 (VCV001422986.4), dbSNP rs775068866, ClinGen allele CA1078583.